The following is an entry in ClinVar:

ClinVar aggregate classification (germline): Uncertain significance. Review status: criteria provided, multiple submitters, no conflicts (2 of 4 stars). 2 submissions from 2 submitters: Uncertain significance (2). Last evaluated 2026-03-18.

Conditions:
Ehlers-Danlos syndrome, classic type, 1 (EDSCL1). Also called: EHLERS-DANLOS SYNDROME, GRAVIS TYPE; EHLERS-DANLOS SYNDROME, SEVERE CLASSIC TYPE; Ehlers-Danlos syndrome, type 1; Ehlers-Danlos Syndrome, Classic Type, COL5A1-Related; EDS I. Identifiers: MedGen C0268335, MONDO:0019567, OMIM 130000.

Submissions (2):

GeneDx
Classification: Uncertain significance. Last evaluated: 2026-03-18. Review status: criteria provided, single submitter. Criteria: GeneDx Variant Classification Process June 2021. Collection method: clinical testing. Allele origin: germline.
Comment: Not observed at significant frequency in large population cohorts (gnomAD); In silico analysis supports that this missense variant has a deleterious effect on protein structure/function; Has not been previously published as pathogenic or benign to our knowledge

Labcorp Genetics (formerly Invitae), Labcorp
Classification: Uncertain significance for Ehlers-Danlos syndrome, classic type, 1. Last evaluated: 2025-07-27. Review status: criteria provided, single submitter. Criteria: Invitae Variant Classification Sherloc (09022015). Collection method: clinical testing. Allele origin: germline.
Comment: This sequence change replaces threonine, which is neutral and polar, with alanine, which is neutral and non-polar, at codon 1335 of the COL5A2 protein (p.Thr1335Ala). This variant is not present in population databases (gnomAD no frequency). This variant has not been reported in the literature in individuals affected with COL5A2-related conditions. Invitae Evidence Modeling of protein sequence and biophysical properties (such as structural, functional, and spatial information, amino acid conservation, physicochemical variation, residue mobility, and thermodynamic stability) indicates that this missense variant is expected to disrupt COL5A2 protein function with a positive predictive value of 80%. In summary, the available evidence is currently insufficient to determine the role of this variant in disease. Therefore, it has been classified as a Variant of Uncertain Significance.

NM_000393.5(COL5A2):c.4003A>G (p.Thr1335Ala)

Gene: COL5A2 (collagen type V alpha 2 chain; minus strand). Cytogenetic location: 2q32.2.
Variant type: single nucleotide variant.
Coding change: c.4003A>G on transcript NM_000393.5 (MANE Select); coding-DNA position 4003, A replaced by G.
Protein change: p.Thr1335Ala; replaces threonine 1335 with alanine.
Molecular consequence: missense variant.
Genome position (GRCh38, 1-based): chr2:189,036,726, T>C on the plus strand (A>G on the coding strand, the complement: COL5A2 is on the minus strand). VCF-style: chr2-189036726-T-C. GRCh37 (hg19) VCF-style: chr2-189901452-T-C.
Other names: c.4003A>G (NM_000393.3); short protein forms T1335A.
Identifiers: ClinVar variation 4704101 (VCV004704101.2).